The following is an entry in ClinVar:

NM_000053.4(ATP7B):c.2301C>T (p.Pro767=)

Gene: ATP7B (ATPase copper transporting beta; minus strand). Cytogenetic location: 13q14.3.
Variant type: single nucleotide variant.
Coding change: c.2301C>T on transcript NM_000053.4 (MANE Select); coding-DNA position 2301, C replaced by T.
Protein change: p.Pro767=; no amino-acid change (proline 767 retained).
Molecular consequence: synonymous variant. On other transcripts: intron variant (2).
Genome position (GRCh38, 1-based): chr13:51,958,365, G>A on the plus strand (C>T on the coding strand, the complement: ATP7B is on the minus strand). VCF-style: chr13-51958365-G-A. GRCh37 (hg19) VCF-style: chr13-52532501-G-A.
Other names: c.1968C>T, p.Pro656= (NM_001243182.2); c.2049C>T, p.Pro683= (NM_001330579.2); c.1870-758C>T (NM_001005918.3); c.2122-758C>T (NM_001330578.2).
Identifiers: ClinVar variation 495407 (VCV000495407.14), dbSNP rs770787421, ClinGen allele CA6989066.

ClinVar aggregate classification (germline): Likely benign. Review status: criteria provided, multiple submitters, no conflicts (2 of 4 stars). 5 submissions from 5 submitters: Likely benign (4). 1 of the submissions does not count toward it. Last evaluated 2025-11-03.

Conditions:
Wilson disease (WND). Also called: Wilson's disease. Identifiers: Orphanet 905, MedGen C0019202, MONDO:0010200, OMIM 277900. Disease mechanism: loss of function.

Allele frequency attached by ClinVar (database versions not stated): gnomAD exomes below 0.00001 and 0.00002; ExAC 0.00002; gnomAD 0.00004; TOPMed 0.00006.
gnomAD v4.1: 9 of 1,614,058 alleles (0.00056%); highest among the groups gnomAD compares: African/African-American, 0.0093%; no homozygotes.

Submissions (5):

Labcorp Genetics (formerly Invitae), Labcorp
Classification: Likely benign for Wilson disease. Last evaluated: 2025-11-03. Review status: criteria provided, single submitter. Criteria: Invitae Variant Classification Sherloc (09022015). Collection method: clinical testing. Allele origin: germline.

All of Us Research Program, National Institutes of Health
Classification: Likely benign for Wilson disease. Last evaluated: 2023-10-02. Review status: criteria provided, single submitter. Criteria: ACMG Guidelines, 2015. Collection method: clinical testing. Allele origin: germline. Inheritance: Autosomal recessive inheritance. Observed: 2 variant alleles, 2 heterozygotes.
Comment: This study involves interpretation of variants in research participants for the purpose of population health screening. Participant phenotype was not available at the time of variant classification. Additional details can be found in publication PMID: 35346344, PMCID: PMC8962531

Color Diagnostics, LLC DBA Color Health
Classification: Likely benign for Wilson disease. Last evaluated: 2022-04-22. Review status: criteria provided, single submitter. Criteria: ACMG Guidelines, 2015. Collection method: clinical testing. Allele origin: germline.

Women's Health and Genetics/Laboratory Corporation of America, LabCorp
Classification: Likely benign. Last evaluated: 2019-08-21. Review status: criteria provided, single submitter. Criteria: LabCorp Variant Classification Summary - May 2015. Collection method: clinical testing. Allele origin: germline.

Natera, Inc.
Classification: Uncertain significance for Wilson disease. Last evaluated: 2020-04-15. Review status: no assertion criteria provided. Collection method: clinical testing. Allele origin: germline. Not counted in ClinVar's aggregate classification.